The following is an entry in ClinVar:

ClinVar aggregate classification (germline): Benign/Likely benign. Review status: criteria provided, multiple submitters, no conflicts (2 of 4 stars). 3 submissions from 3 submitters: Benign (1); Likely benign (2). Last evaluated 2025-03-26.

Conditions:
Hereditary cancer-predisposing syndrome. Also called: Neoplastic Syndromes, Hereditary; Hereditary Cancer Syndrome; Tumor predisposition; Hereditary neoplastic syndrome. Identifiers: Orphanet 140162, MedGen C0027672, MeSH D009386, MONDO:0015356.
Multiple endocrine neoplasia, type 2 (MEN2). Identifiers: Orphanet 653, MedGen C4048306, MONDO:0019003. Disease mechanism: gain of function.
Multiple endocrine neoplasia type 2A. Also called: MULTIPLE ENDOCRINE NEOPLASIA, TYPE IIA; PTC SYNDROME; SIPPLE SYNDROME; MEN 2A; MEN-2A syndrome; Pheochromocytoma and amyloid producing medullary thyroid carcinoma. Identifiers: Orphanet 247698, Orphanet 653, MedGen C0025268, MeSH D018813, MONDO:0008234, OMIM 171400.

Allele frequency attached by ClinVar (database versions not stated): ExAC 0.00002; gnomAD 0.00002; TOPMed 0.00002.
gnomAD v4.1: 20 of 1,597,586 alleles (0.0013%); highest among the groups gnomAD compares: East Asian, 0.0045%; no homozygotes.

Submissions (3):

Labcorp Genetics (formerly Invitae), Labcorp
Classification: Likely benign for Multiple endocrine neoplasia, type 2. Last evaluated: 2025-03-26. Review status: criteria provided, single submitter. Criteria: Invitae Variant Classification Sherloc (09022015). Collection method: clinical testing. Allele origin: germline.

Myriad Genetics, Inc.
Classification: Benign for Multiple endocrine neoplasia type 2A. Last evaluated: 2025-02-27. Review status: criteria provided, single submitter. Criteria: Myriad Autosomal Dominant, Autosomal Recessive and X-Linked Classification Criteria (2023). Collection method: clinical testing. Allele origin: unknown.
Comment: This variant is considered benign. This variant is a silent/synonymous amino acid change and it is not expected to impact splicing.

Ambry Genetics
Classification: Likely benign for Hereditary cancer-predisposing syndrome. Last evaluated: 2019-11-19. Review status: criteria provided, single submitter. Criteria: Ambry Variant Classification Scheme 2023. Collection method: clinical testing. Allele origin: germline.

NM_020975.6(RET):c.2397G>A (p.Pro799=)

Gene: RET (ret proto-oncogene; plus strand). Cytogenetic location: 10q11.21.
Variant type: single nucleotide variant.
Coding change: c.2397G>A on transcript NM_020975.6 (MANE Select); coding-DNA position 2397, G replaced by A.
Protein change: p.Pro799=; no amino-acid change (proline 799 retained).
Molecular consequence: synonymous variant.
Genome position (GRCh38, 1-based): chr10:43,119,535, G>A. VCF-style: chr10-43119535-G-A. GRCh37 (hg19) VCF-style: chr10-43614983-G-A.
Other names: c.2397G>A, p.Pro799= (NM_000323.2, NM_001406743.1, NM_001406744.1 and 4 more transcripts); c.1635G>A, p.Pro545= (NM_001355216.2); c.2268G>A, p.Pro756= (NM_001406761.1, NM_001406762.1, NM_001406764.1); c.2262G>A, p.Pro754= (NM_001406763.1, NM_001406765.1); c.2109G>A, p.Pro703= (NM_001406766.1, NM_001406767.1, NM_001406770.1); c.2133G>A, p.Pro711= (NM_001406768.1); c.2001G>A, p.Pro667= (NM_001406769.1, NM_001406772.1); c.1959G>A, p.Pro653= (NM_001406771.1, NM_001406773.1); and 10 more.
Identifiers: ClinVar variation 707430 (VCV000707430.17), dbSNP rs776737136, ClinGen allele CA039042.
Genomic context (GRCh38, chr10:43,119,535, plus strand): 5'-TGGAAGACCCAAGCTGCCTGACCCGCACGCCCAGGGCCCCCTCTCTCCGCCCCCAGGCCC[G>A]CTCCTCCTCATCGTGGAGTACGCCAAATACGGCTCCCTGCGGGGCTTCCTCCGCGAGAGC-3'
Protein context (NP_066124.1, residues 789-809): KLYGACSQDG[Pro799=]LLLIVEYAKY